The following is an entry in ClinVar:

ClinVar aggregate classification (germline): Uncertain significance (1 of 4 stars; one submission).

Allele frequency attached by ClinVar (database versions not stated): gnomAD exomes 0.00001; ExAC 0.00002.
gnomAD v4.1: 3 of 1,614,158 alleles (0.00019%); highest among the groups gnomAD compares: Non-Finnish European, 0.00025%; no homozygotes.

Submission:

Labcorp Genetics (formerly Invitae), Labcorp
Classification: Uncertain significance. Last evaluated: 2022-09-16. Review status: criteria provided, single submitter. Criteria: Invitae Variant Classification Sherloc (09022015). Collection method: clinical testing. Allele origin: germline.
Comment: This sequence change replaces proline, which is neutral and non-polar, with leucine, which is neutral and non-polar, at codon 52 of the ABCA3 protein (p.Pro52Leu). This variant is present in population databases (rs761278645, gnomAD 0.002%). This variant has not been reported in the literature in individuals affected with ABCA3-related conditions. Advanced modeling of protein sequence and biophysical properties (such as structural, functional, and spatial information, amino acid conservation, physicochemical variation, residue mobility, and thermodynamic stability) performed at Invitae indicates that this missense variant is not expected to disrupt ABCA3 protein function. In summary, the available evidence is currently insufficient to determine the role of this variant in disease. Therefore, it has been classified as a Variant of Uncertain Significance.

NM_001089.3(ABCA3):c.155C>T (p.Pro52Leu)

Gene: ABCA3 (ATP binding cassette subfamily A member 3; minus strand). Cytogenetic location: 16p13.3.
Variant type: single nucleotide variant.
Coding change: c.155C>T on transcript NM_001089.3 (MANE Select); coding-DNA position 155, C replaced by T.
Protein change: p.Pro52Leu; replaces proline 52 with leucine.
Molecular consequence: missense variant.
Genome position (GRCh38, 1-based): chr16:2,326,174, G>A on the plus strand (C>T on the coding strand, the complement: ABCA3 is on the minus strand). VCF-style: chr16-2326174-G-A. GRCh37 (hg19) VCF-style: chr16-2376175-G-A.
Other names: short protein forms P52L.
Identifiers: ClinVar variation 2070806 (VCV002070806.1), dbSNP rs761278645, ClinGen allele CA7841773.